The following is an entry in ClinVar:

ClinVar aggregate classification (germline): Pathogenic (1 of 4 stars; one submission).

Conditions:
Nephronophthisis. Also called: Juvenile Nephronophthisis. Identifiers: Orphanet 655, MedGen C0687120, MONDO:0019005, HP:0000090.

Submission:

Labcorp Genetics (formerly Invitae), Labcorp
Classification: Pathogenic for Nephronophthisis. Last evaluated: 2022-11-08. Review status: criteria provided, single submitter. Criteria: Invitae Variant Classification Sherloc (09022015). Collection method: clinical testing. Allele origin: germline.
Comment: For these reasons, this variant has been classified as Pathogenic. Algorithms developed to predict the effect of sequence changes on RNA splicing suggest that this variant may disrupt the consensus splice site. This variant has not been reported in the literature in individuals affected with INVS-related conditions. This variant is not present in population databases (gnomAD no frequency). This sequence change creates a premature translational stop signal (p.Arg706Aspfs*37) in the INVS gene. It is expected to result in an absent or disrupted protein product. Loss-of-function variants in INVS are known to be pathogenic (PMID: 12872123).

Literature cited by the submitters: PubMed 12872123.

NM_014425.5(INVS):c.2116del (p.Arg706fs)

Gene: INVS (inversin; plus strand). Cytogenetic location: 9q31.1.
Variant type: Deletion.
Coding change: c.2116del on transcript NM_014425.5 (MANE Select); coding-DNA position 2116, one base deleted (A; older notation c.2116delA).
Protein change: p.Arg706fs; shifts the reading frame from arginine 706.
Molecular consequence: frameshift variant.
Genome position (GRCh38, 1-based): chr9:100,292,373, A deleted. VCF-style (leftmost placement, unchanged base first): chr9-100292372-CA-C. GRCh37 (hg19) VCF-style: chr9-103054654-CA-C.
Other names: c.1828del, p.Arg610fs (NM_001318381.2); c.1138del, p.Arg380fs (NM_001318382.2); short protein forms R380fs, R706fs, R610fs.
Identifiers: ClinVar variation 2109619 (VCV002109619.4), dbSNP rs2490114604, ClinGen allele CA2580079256.